The following is an entry in ClinVar:

ClinVar aggregate classification (germline): Uncertain significance (1 of 4 stars; one submission).

Conditions:
Inborn genetic diseases. Identifiers: MedGen C0950123, MeSH D030342.

Submission:

Ambry Genetics
Classification: Uncertain significance for Inborn genetic diseases. Last evaluated: 2025-05-19. Review status: criteria provided, single submitter. Criteria: Ambry Variant Classification Scheme 2023. Collection method: clinical testing. Allele origin: germline.
Comment: The c.1139T>A (p.I380N) alteration is located in exon 1 (coding exon 1) of the KCNA6 gene. This alteration results from a T to A substitution at nucleotide position 1139, causing the isoleucine (I) at amino acid position 380 to be replaced by an asparagine (N). This variant was not reported in population-based cohorts in the Genome Aggregation Database (gnomAD). This amino acid position is highly conserved in available vertebrate species. This missense alteration is located in a region that has a low rate of benign missense variation (Lek, 2016; Firth, 2009). This alteration is predicted to be deleterious by in silico analysis. Based on insufficient or conflicting evidence, the clinical significance of this alteration remains unclear.

NM_002235.5(KCNA6):c.1139T>A (p.Ile380Asn)

Genes: KCNA6 (potassium voltage-gated channel subfamily A member 6; plus strand), KCNA6-AS1 (KCNA6 antisense RNA 1; minus strand). Cytogenetic location: 12p13.32.
Variant type: single nucleotide variant.
Coding change: c.1139T>A on transcript NM_002235.5 (MANE Select); coding-DNA position 1139, T replaced by A.
Protein change: p.Ile380Asn; replaces isoleucine 380 with asparagine.
Molecular consequence: missense variant. On other transcripts: non-coding transcript variant (3).
Genome position (GRCh38, 1-based): chr12:4,811,180, T>A. VCF-style: chr12-4811180-T-A. GRCh37 (hg19) VCF-style: chr12-4920346-T-A.
Other names: short protein forms I380N.
Identifiers: ClinVar variation 3862640 (VCV003862640.2).
Genomic context (GRCh38, chr12:4,811,180, plus strand): 5'-AGGGGCTGCAGATCCTGGGCAAGACCTTGCAGGCCTCCATGAGGGAGCTGGGGCTGCTCA[T>A]CTTCTTCCTCTTCATCGGGGTCATCCTCTTCTCCAGTGCCGTCTACTTCGCAGAGGCTGA-3'
Protein context (NP_002226.1, residues 370-390): QASMRELGLL[Ile380Asn]FFLFIGVILF